The following is an entry in ClinVar:

ClinVar aggregate classification (germline): Conflicting classifications of pathogenicity. Review status: criteria provided, conflicting classifications (1 of 4 stars). 2 submissions from 2 submitters: Uncertain significance (1); Likely benign (1). Last evaluated 2025-11-11.

Conditions:
RAI1-related disorder. Also called: RAI1-related condition.

Submissions (2):

PreventionGenetics, part of Exact Sciences
Classification: Uncertain significance for RAI1-related condition. Last evaluated: 2025-11-11. Review status: criteria provided, single submitter. Criteria: ACMG Guidelines, 2015. Collection method: clinical testing. Allele origin: germline.
Comment: The RAI1 c.836_837insACAGCA variant is predicted to result in an in-frame amino acid insertion (p.Gln290_Gln291dup). This variant results in the duplication of two glutamine residues within a polyglutamine track of RAI1. To our knowledge, this variant has not been reported in the literature or in a large population database, indicating this variant is rare. At this time, the clinical significance of this variant is uncertain due to the absence of conclusive functional and genetic evidence.

Labcorp Genetics (formerly Invitae), Labcorp
Classification: Likely benign. Last evaluated: 2025-04-10. Review status: criteria provided, single submitter. Criteria: Invitae Variant Classification Sherloc (09022015). Collection method: clinical testing. Allele origin: germline.

NM_030665.4(RAI1):c.836_837insACAGCA (p.Gln290_Gln291dup)

Gene: RAI1 (retinoic acid induced 1; plus strand). Cytogenetic location: 17p11.2.
Variant type: Insertion.
Coding change: c.836_837insACAGCA on transcript NM_030665.4 (MANE Select); coding-DNA positions 836 to 837, ACAGCA inserted.
Protein change: p.Gln290_Gln291dup.
Molecular consequence: inframe insertion.
Genome position: GRCh38 VCF-style: chr17-17793779-C-CCAGCAA. GRCh37 (hg19) VCF-style: chr17-17697093-C-CCAGCAA.
Other names: c.836_837insACAGCA (NM_030665.3).
Identifiers: ClinVar variation 1399005 (VCV001399005.7), dbSNP rs587780428, ClinGen allele CA726623080.